The following is an entry in ClinVar:

ClinVar aggregate classification (germline): Pathogenic. Review status: criteria provided, multiple submitters, no conflicts (2 of 4 stars). 2 submissions from 2 submitters: Pathogenic (2). Last evaluated 2025-11-20.

Conditions:
Severe myoclonic epilepsy in infancy (DRVT). Also called: Dravet syndrome; SEVERE MYOCLONIC EPILEPSY OF INFANCY; DEVELOPMENTAL AND EPILEPTIC ENCEPHALOPATHY 6A; Severe Myoclonic Epilepsy in Infancy (SMEI); Epileptic encephalopathy, early infantile, 6 (Dravet syndrome). Identifiers: Orphanet 33069, MedGen C0751122, MONDO:0100135, OMIM 607208.
Developmental and epileptic encephalopathy. Identifiers: MedGen C5779964, MONDO:0100620.
Generalized epilepsy with febrile seizures plus. Also called: Generalized Epilepsy with Febrile Seizures Plus (GEFS+). Identifiers: Orphanet 36387, MedGen C3502809, MONDO:0018214.
Familial hemiplegic migraine. Identifiers: MedGen C0338484, MONDO:0000700.
Early-infantile DEE. Also called: Early infantile epileptic encephalopathy; Early infantile epileptic encephalopathy with suppression bursts; Ohtahara syndrome. Identifiers: Orphanet 1934, MedGen C0393706, MONDO:0800491.

Submissions (2):

Labcorp Genetics (formerly Invitae), Labcorp
Classification: Pathogenic for Early-infantile DEE. Last evaluated: 2025-11-20. Review status: criteria provided, single submitter. Criteria: Invitae Variant Classification Sherloc (09022015). Collection method: clinical testing. Allele origin: germline.
Comment: This sequence change replaces asparagine, which is neutral and polar, with lysine, which is basic and polar, at codon 115 of the SCN1A protein (p.Asn115Lys). This variant is not present in population databases (gnomAD no frequency). This missense change has been observed in individual(s) with Dravet syndrome and/or generalized seizures (PMID: 29933521; internal data). In at least one individual the variant was observed to be de novo. ClinVar contains an entry for this variant (Variation ID: 972887). Invitae Evidence Modeling of protein sequence and biophysical properties (such as structural, functional, and spatial information, amino acid conservation, physicochemical variation, residue mobility, and thermodynamic stability) has been performed for this missense variant. However, the output from this modeling did not meet the statistical confidence thresholds required to predict the impact of this variant on SCN1A protein function. For these reasons, this variant has been classified as Pathogenic.

Cytogénomique, Hospices Civils de Lyon
Classification: Pathogenic for Severe myoclonic epilepsy in infancy. Review status: criteria provided, single submitter. Criteria: ACMG Guidelines, 2015. Collection method: clinical testing. Allele origin: de novo. Inheritance: Autosomal dominant inheritance. Affected: yes.

Literature cited by the submitters: PubMed 29933521 (cited by Labcorp Genetics (formerly Invitae), Labcorp).

NM_001165963.4(SCN1A):c.345T>A (p.Asn115Lys)

Gene: SCN1A (sodium voltage-gated channel alpha subunit 1; minus strand). Cytogenetic location: 2q24.3.
Variant type: single nucleotide variant.
Coding change: c.345T>A on transcript NM_001165963.4 (MANE Select); coding-DNA position 345, T replaced by A.
Protein change: p.Asn115Lys; replaces asparagine 115 with lysine.
Molecular consequence: missense variant. On other transcripts: 5 prime UTR variant (1), non-coding transcript variant (1).
Genome position (GRCh38, 1-based): chr2:166,058,608, A>T on the plus strand (T>A on the coding strand, the complement: SCN1A is on the minus strand). VCF-style: chr2-166058608-A-T. GRCh37 (hg19) VCF-style: chr2-166915118-A-T.
Other names: c.345T>A, p.Asn115Lys (NM_001165964.3, NM_001202435.3, NM_001353948.2 and 10 more transcripts); c.-2081T>A (NM_001353961.2); short protein forms N115K.
Identifiers: ClinVar variation 972887 (VCV000972887.7), dbSNP rs61741123, ClinGen allele CA349076939.